The following is an entry in ClinVar:

NM_004415.4(DSP):c.6103A>C (p.Lys2035Gln)

Gene: DSP (desmoplakin; plus strand). Cytogenetic location: 6p24.3.
Variant type: single nucleotide variant.
Coding change: c.6103A>C on transcript NM_004415.4 (MANE Select); coding-DNA position 6103, A replaced by C.
Protein change: p.Lys2035Gln; replaces lysine 2035 with glutamine.
Molecular consequence: missense variant.
Genome position (GRCh38, 1-based): chr6:7,583,365, A>C. VCF-style: chr6-7583365-A-C. GRCh37 (hg19) VCF-style: chr6-7583598-A-C.
Other names: c.4306A>C, p.Lys1436Gln (NM_001008844.3); c.4774A>C, p.Lys1592Gln (NM_001319034.2); short protein forms K1592Q, K2035Q, K1436Q.
Identifiers: ClinVar variation 4827472 (VCV004827472.1).

ClinVar aggregate classification (germline): Uncertain significance (1 of 4 stars; one submission).

Conditions:
Cardiovascular phenotype. Identifiers: MedGen CN230736.

Submission:

Ambry Genetics
Classification: Uncertain significance for Cardiovascular phenotype. Last evaluated: 2026-03-07. Review status: criteria provided, single submitter. Criteria: Ambry Variant Classification Scheme 2023. Collection method: clinical testing. Allele origin: germline.
Comment: The p.K2035Q variant (also known as c.6103A>C), located in coding exon 24 of the DSP gene, results from an A to C substitution at nucleotide position 6103. The lysine at codon 2035 is replaced by glutamine, an amino acid with similar properties. This amino acid position is conserved. In addition, this alteration is predicted to be tolerated by in silico analysis. Based on the available evidence, the clinical significance of this variant remains unclear.